The following is an entry in ClinVar:

NM_199420.4(POLQ):c.2125C>A (p.Gln709Lys)

Gene: POLQ (DNA polymerase theta; minus strand). Cytogenetic location: 3q13.33.
Variant type: single nucleotide variant.
Coding change: c.2125C>A on transcript NM_199420.4 (MANE Select); coding-DNA position 2125, C replaced by A.
Protein change: p.Gln709Lys; replaces glutamine 709 with lysine.
Molecular consequence: missense variant.
Genome position (GRCh38, 1-based): chr3:121,498,505, G>T on the plus strand (C>A on the coding strand, the complement: POLQ is on the minus strand). VCF-style: chr3-121498505-G-T. GRCh37 (hg19) VCF-style: chr3-121217352-G-T.
Other names: short protein forms Q709K.
Identifiers: ClinVar variation 3229874 (VCV003229874.1), dbSNP rs2048142102, ClinGen allele CA354109786.

ClinVar aggregate classification (germline): Uncertain significance (1 of 4 stars; one submission).

Submission:

Ambry Genetics
Classification: Uncertain significance. Last evaluated: 2024-01-31. Review status: criteria provided, single submitter. Criteria: Ambry Variant Classification Scheme 2023. Collection method: clinical testing. Allele origin: germline.
Comment: The p.Q709K variant (also known as c.2125C>A), located in coding exon 13 of the POLQ gene, results from a C to A substitution at nucleotide position 2125. The glutamine at codon 709 is replaced by lysine, an amino acid with similar properties. This amino acid position is conserved. In addition, this alteration is predicted to be tolerated by in silico analysis. Based on the available evidence, the clinical significance of this alteration remains unclear.